The following is an entry in ClinVar:

NM_172240.3(POC1B):c.179A>G (p.Lys60Arg)

Genes: POC1B (POC1 centriolar protein B; minus strand), POC1B-DUSP6 (POC1B-DUSP6 readthrough; minus strand). Cytogenetic location: 12q21.33.
Variant type: single nucleotide variant.
Coding change: c.179A>G on transcript NM_172240.3 (MANE Select); coding-DNA position 179, A replaced by G.
Protein change: p.Lys60Arg; replaces lysine 60 with arginine.
Molecular consequence: missense variant.
Genome position (GRCh38, 1-based): chr12:89,497,264, T>C on the plus strand (A>G on the coding strand, the complement: POC1B is on the minus strand). VCF-style: chr12-89497264-T-C. GRCh37 (hg19) VCF-style: chr12-89891041-T-C.
Other names: c.53A>G, p.Lys18Arg (NM_001199777.2); short protein forms K18R, K60R.
Identifiers: ClinVar variation 1021138 (VCV001021138.7), dbSNP rs768855674, ClinGen allele CA6714593.

ClinVar aggregate classification (germline): Uncertain significance. Review status: criteria provided, multiple submitters, no conflicts (2 of 4 stars). 4 submissions from 4 submitters: Uncertain significance (3). 1 of the submissions does not count toward it. Last evaluated 2024-09-24.

Conditions:
Retinal dystrophy. Also called: Inherited retinal dystrophy. Identifiers: Orphanet 71862, MedGen C0854723, MeSH D058499, MONDO:0019118, HP:0000556.
Cone-rod dystrophy 20 (CORD20). Identifiers: Orphanet 1872, MedGen C4014856, MONDO:0014427, OMIM 615973.

Allele frequency attached by ClinVar (database versions not stated): ExAC 0.00002; gnomAD exomes 0.00002; TOPMed 0.00002.
gnomAD v4.1: 28 of 1,613,576 alleles (0.0017%); highest among the groups gnomAD compares: Non-Finnish European, 0.0023%; no homozygotes.

Submissions (4):

Blueprint Genetics
Classification: Uncertain significance. Last evaluated: 2024-09-24. Review status: criteria provided, single submitter. Criteria: ACMG Guidelines, 2015. Collection method: clinical testing. Allele origin: germline.

Fulgent Genetics
Classification: Uncertain significance for Cone-rod dystrophy 20. Last evaluated: 2024-04-27. Review status: criteria provided, single submitter. Criteria: ACMG Guidelines, 2015. Collection method: clinical testing. Allele origin: germline.

Labcorp Genetics (formerly Invitae), Labcorp
Classification: Uncertain significance. Last evaluated: 2022-08-07. Review status: criteria provided, single submitter. Criteria: Invitae Variant Classification Sherloc (09022015). Collection method: clinical testing. Allele origin: germline.
Comment: This sequence change replaces lysine, which is basic and polar, with arginine, which is basic and polar, at codon 60 of the POC1B protein (p.Lys60Arg). This variant is present in population databases (rs768855674, gnomAD 0.004%). This variant has not been reported in the literature in individuals affected with POC1B-related conditions. ClinVar contains an entry for this variant (Variation ID: 1021138). Algorithms developed to predict the effect of missense changes on protein structure and function (SIFT, PolyPhen-2, Align-GVGD) all suggest that this variant is likely to be tolerated. Algorithms developed to predict the effect of sequence changes on RNA splicing suggest that this variant may disrupt the consensus splice site. In summary, the available evidence is currently insufficient to determine the role of this variant in disease. Therefore, it has been classified as a Variant of Uncertain Significance.

Institute of Human Genetics, Univ. Regensburg, Univ. Regensburg
Classification: Uncertain significance for Retinal dystrophy. Last evaluated: 2021-01-01. Review status: no assertion criteria provided. Criteria: ACMG Guidelines, 2015. Collection method: clinical testing. Allele origin: germline. Affected: yes. Not counted in ClinVar's aggregate classification.